The following is an entry in ClinVar:

NM_001042432.2(CLN3):c.375-2A>T

Gene: CLN3 (CLN3 lysosomal/endosomal transmembrane protein, battenin; minus strand). Cytogenetic location: 16p12.1.
Variant type: single nucleotide variant.
Coding change: c.375-2A>T on transcript NM_001042432.2 (MANE Select); the canonical splice acceptor site of the intron before coding-DNA position 375, A replaced by T.
Molecular consequence: splice acceptor variant.
Genome position (GRCh38, 1-based): chr16:28,487,543, T>A on the plus strand (A>T on the coding strand, the complement: CLN3 is on the minus strand). VCF-style: chr16-28487543-T-A. GRCh37 (hg19) VCF-style: chr16-28498864-T-A.
Other names: c.141-2A>T (NM_001286109.2); c.303-2A>T (NM_001286104.2); c.75-2A>T (NM_001286105.2); c.213-2A>T (NM_001286110.2); c.375-2A>T (NM_000086.2).
Identifiers: ClinVar variation 959239 (VCV000959239.8), dbSNP rs2046240661, ClinGen allele CA395345999.

ClinVar aggregate classification (germline): Likely pathogenic (1 of 4 stars; one submission).

Conditions:
Neuronal ceroid lipofuscinosis. Also called: Neuronal Ceroid Lipofuscinoses. Identifiers: Orphanet 216, Orphanet 79263, MedGen C0027877, MONDO:0016295. Disease mechanism: loss of function.

Submission:

Labcorp Genetics (formerly Invitae), Labcorp
Classification: Likely pathogenic for Neuronal ceroid lipofuscinosis. Last evaluated: 2019-11-09. Review status: criteria provided, single submitter. Criteria: Invitae Variant Classification Sherloc (09022015). Collection method: clinical testing. Allele origin: germline.
Comment: This variant has not been reported in the literature in individuals with CLN3-related conditions. This sequence change affects an acceptor splice site in intron 6 of the CLN3 gene. It is expected to disrupt RNA splicing and likely results in an absent or disrupted protein product. This variant is not present in population databases (ExAC no frequency). Algorithms developed to predict the effect of sequence changes on RNA splicing suggest that this variant may disrupt the consensus splice site, but this prediction has not been confirmed by published transcriptional studies. Donor and acceptor splice site variants typically lead to a loss of protein function (PMID: 16199547), and loss-of-function variants in CLN3 are known to be pathogenic (PMID: 9311735, 28542676). In summary, the currently available evidence indicates that the variant is pathogenic, but additional data are needed to prove that conclusively. Therefore, this variant has been classified as Likely Pathogenic.

Literature cited by the submitters: PubMed 16199547; PubMed 9311735; PubMed 28542676.